The following is an entry in ClinVar:

NM_006348.5(COG5):c.1112C>T (p.Ser371Leu)

Gene: COG5 (component of oligomeric golgi complex 5; minus strand). Cytogenetic location: 7q22.3.
Variant type: single nucleotide variant.
Coding change: c.1112C>T on transcript NM_006348.5 (MANE Select); coding-DNA position 1112, C replaced by T.
Protein change: p.Ser371Leu; replaces serine 371 with leucine.
Molecular consequence: missense variant.
Genome position (GRCh38, 1-based): chr7:107,298,343, G>A on the plus strand (C>T on the coding strand, the complement: COG5 is on the minus strand). VCF-style: chr7-107298343-G-A. GRCh37 (hg19) VCF-style: chr7-106938788-G-A.
Other names: c.1112C>T, p.Ser371Leu (NM_001161520.2, NM_001379511.1, NM_001379512.1 and 3 more transcripts); c.542C>T, p.Ser181Leu (NM_001379515.1); c.398C>T, p.Ser133Leu (NM_001379516.1); short protein forms S371L, S133L, S181L.
Identifiers: ClinVar variation 1347139 (VCV001347139.3), dbSNP rs776804916, ClinGen allele CA4430995.

ClinVar aggregate classification (germline): Uncertain significance (1 of 4 stars; one submission).

Conditions:
COG5-congenital disorder of glycosylation. Also called: CDG IIi; COG5-CDG; CONGENITAL DISORDER OF GLYCOSYLATION, TYPE IIi. Identifiers: Orphanet 263487, MedGen C3150876, MONDO:0013325, OMIM 613612.

Allele frequency attached by ClinVar (database versions not stated): ExAC 0.00002; gnomAD exomes 0.00002 and 0.00003.

Submission:

Labcorp Genetics (formerly Invitae), Labcorp
Classification: Uncertain significance for COG5-congenital disorder of glycosylation. Last evaluated: 2022-10-05. Review status: criteria provided, single submitter. Criteria: Invitae Variant Classification Sherloc (09022015). Collection method: clinical testing. Allele origin: germline.
Comment: This sequence change replaces serine, which is neutral and polar, with leucine, which is neutral and non-polar, at codon 402 of the COG5 protein (p.Ser402Leu). This variant is present in population databases (rs776804916, gnomAD 0.007%). This missense change has been observed in individual(s) with clinical features of COG5-related conditions (PMID: 28567303). ClinVar contains an entry for this variant (Variation ID: 1347139). Algorithms developed to predict the effect of missense changes on protein structure and function are either unavailable or do not agree on the potential impact of this missense change (SIFT: "Tolerated"; PolyPhen-2: "Probably Damaging"; Align-GVGD: "Class C15"). In summary, the available evidence is currently insufficient to determine the role of this variant in disease. Therefore, it has been classified as a Variant of Uncertain Significance.

Literature cited by the submitters: PubMed 28567303.